The following is an entry in ClinVar:

NM_018418.5(SPATA7):c.20_23delTCAG

Gene: SPATA7 (spermatogenesis associated 7; plus strand). Cytogenetic location: 14q31.3.
Variant type: Deletion.
Coding change: c.20_23delTCAG on transcript NM_018418.5 (MANE Select); coding-DNA positions 20 to 23, 4 bases deleted (TCAG).
Molecular consequence: splice acceptor variant.
Genome position (GRCh38, 1-based): chr14:88,391,381-88,391,384, TCAG deleted; deleting any 4 consecutive bases within chr14:88,391,379-88,391,384 gives the same sequence; the c. name uses the placement nearest the transcript's 3' end. VCF-style (leftmost placement, unchanged base first): chr14-88391378-AAGTC-A. GRCh37 (hg19) VCF-style: chr14-88857722-AAGTC-A.
Other names: c.20_23delTCAG (NM_018418.4).
Identifiers: ClinVar variation 143153 (VCV000143153.37), dbSNP rs527236050, ClinGen allele CA232852.

ClinVar aggregate classification (germline): Conflicting classifications of pathogenicity. Review status: criteria provided, conflicting classifications (1 of 4 stars). 14 submissions from 14 submitters: Pathogenic (3); Likely pathogenic (4); Uncertain significance (4); Benign (2). 1 of the submissions does not count toward it. Last evaluated 2026-08-25.

Conditions:
SPATA7-related disorder. Also called: SPATA7-related condition; SPATA7-related disorders. Identifiers: MedGen CN239422.
Autosomal recessive SPATA7-related disorders.
Retinal dystrophy. Also called: Inherited retinal dystrophy. Identifiers: Orphanet 71862, MedGen C0854723, MeSH D058499, MONDO:0019118, HP:0000556.
Leber congenital amaurosis 3 (LCA3). Also called: SPATA7-Related Retinitis Pigmentosa. Identifiers: MedGen C1858677, MONDO:0011415, OMIM 604232.

Submissions (17):

PreventionGenetics, part of Exact Sciences
Classification: Uncertain significance for SPATA7-related condition. Last evaluated: 2026-08-25. Review status: criteria provided, single submitter. Criteria: ACMG Guidelines, 2015. Collection method: clinical testing. Allele origin: germline.
Comment: The SPATA7 c.20_23delTCAG variant is predicted to result in a frameshift and premature protein termination (p.Val7Glufs*19). This variant is located at the intron/exon boundary of exon 2 and is predicted to impact splicing based on available splicing prediction programs (SpliceAI, Jaganathan et al. 2019. PubMed ID: 30661751). Skipping of exon 2 would preserve reading frame and remove <10% of the protein. This variant has been reported in individuals with Leber congenital amaurosis or other retinal disease; however, in some cases a second SPATA7 variant was not identified (Table S6, Li et al. 2011. PubMed ID: 21602930; Han et al. 2017. PubMed ID: 28966547; Table S1, Wang et al. 2018. PubMed ID: 30029497; reported as c.20-2_21delAGTC, Table S4, Liu et al. 2020. PubMed ID: 33090715; Xiao et al. 2019. PubMed ID: 31908400). This variant has been reported in the heterozygous state in an individual with high myopia (Yang et al. 2023. PubMed ID: 37191617). This variant is present in 0.65% of alleles in individuals of East Asian descent in gnomAD, including 3 homozygotes in gnomAD v4. Given the conflicting evidence, the clinical significance of this variant is uncertain.

Labcorp Genetics (formerly Invitae), Labcorp
Classification: Benign for Leber congenital amaurosis 3. Last evaluated: 2026-01-26. Review status: criteria provided, single submitter. Criteria: Invitae Variant Classification Sherloc (09022015). Collection method: clinical testing. Allele origin: germline.

First Genomix Gene Laboratory, Genetic Diagnostics Department
Classification: Likely pathogenic for Leber congenital amaurosis 3. Last evaluated: 2026-01-02. Review status: criteria provided, single submitter. Criteria: ACMG Guidelines, 2015. Collection method: clinical testing. Allele origin: germline. Inheritance: Autosomal recessive inheritance. Affected: no. Observed: 1 variant allele.

Variantyx, Inc.
Classification: Pathogenic for Autosomal recessive SPATA7-related disorders. Last evaluated: 2025-12-11. Review status: criteria provided, single submitter. Criteria: Variantyx Assertion Criteria 2022. Collection method: clinical testing. Allele origin: germline. Inheritance: Autosomal recessive inheritance. Affected: no.
Comment: This is a frameshift variant in the SPATA7 gene (OMIM: 609868). Pathogenic variants in this gene have been associated with autosomal recessive SPATA7-related disorders. This variant introduces a premature termination codon in exon 2 out of 12 and is expected to result in loss of function, which is a known disease mechanism for SPATA7 in this disorder (PMID: 30029497, 33090715) (PVS1). This variant has been identified in the homozygous or compound heterozygous state in several individuals reported in the published literature (PMID: 30029497, 31908400, 33090715) (PM3_Strong). Ih has a 0.8238% maximum allele frequency in non-founder control populations. Based on the current evidence, this variant is classified as pathogenic for autosomal recessive SPATA7-related disorders.

Women's Health and Genetics/Laboratory Corporation of America, LabCorp
Classification: Uncertain significance. Last evaluated: 2025-07-22. Review status: criteria provided, single submitter. Criteria: LabCorp Variant Classification Summary - May 2015. Collection method: clinical testing. Allele origin: germline.
Comment: Variant summary: SPATA7 c.20_23delTCAG (p.Val7GlufsX19) results in a premature termination codon, predicted to cause a truncation of the encoded protein or absence of the protein due to nonsense mediated decay, which are commonly known mechanisms for disease. The variant allele was found at a frequency of 0.00048 in 250880 control chromosomes, predominantly at a frequency of 0.0063 within the East Asian subpopulation in the gnomAD database, including 1 homozygotes. The observed variant frequency within East Asian control individuals in the gnomAD database exceeds the estimated maximal expected allele frequency for a pathogenic variant in SPATA7 causing Leber congenital amaurosis phenotype. Additionally, jMorp database reported an allele count of 1,338 from a total of 119,864 alleles with 12 homozygotes for this variant (jMorp variation ID 072a25f692885a000) suggesting a benign role for this variant. c.20_23delTCAG has been observed in individual(s) affected with retinitis pigmentosa, myopia and inherited retinal dystrophies (examples: Wang_2018, Xiao_2019, and Park_2025). These data do not allow strong conclusions about this variant in association with Leber congenital amaurosis phenotype. ClinVar contains an entry for this variant (Variation ID: 143153). Based on the evidence outlined above, the variant was classified as uncertain significance.

SingHealth Duke-NUS Institute of Precision Medicine
Classification: Pathogenic for Leber congenital amaurosis 3. Last evaluated: 2025-02-05. Review status: criteria provided, single submitter. Criteria: PRISM ACMG Classification Criteria. Collection method: clinical testing. Allele origin: germline. Affected: yes.
Comment: Variant is predicted to cause nonsense-mediated decay in a gene where LOF is a known cause of pathogenicity (PVS1). Variant is found in trans with a different pathogenic variant (PM3).

3billion
Classification: Likely pathogenic for Leber congenital amaurosis 3. Last evaluated: 2024-09-11. Review status: criteria provided, single submitter. Criteria: ACMG Guidelines, 2015. Collection method: clinical testing. Allele origin: germline. Affected: yes.
Comment: The variant is observed at an extremely low frequency in the gnomAD v4.0.0 dataset (total allele frequency: 0.024%). Predicted Consequence/Location: Canonical splice site: predicted to alter splicing and result in a loss or disruption of normal protein function. Multiple pathogenic loss-of-function variants are reported downstream of the variant. In silico tools predict the variant to alter splicing and produce an abnormal transcript [SpliceAI: 0.92 (spliceogenicity >=0.2, non-spliceogenicity <0.1)]. The variant has been reported as benign without evidence for the classification (ClinVar ID: VCV000143153). Therefore, this variant is classified as Likely pathogenic according to the recommendation of ACMG/AMP guideline.

Blueprint Genetics
Classification: Uncertain significance. Last evaluated: 2024-03-18. Review status: criteria provided, single submitter. Criteria: ACMG Guidelines, 2015. Collection method: clinical testing. Allele origin: germline.

Dept Of Ophthalmology, Nagoya University
Classification: Uncertain significance for Retinal dystrophy. Last evaluated: 2023-10-01. Review status: criteria provided, single submitter. Criteria: Submitter's publication. Collection method: research. Allele origin: germline. Affected: yes.

Department of Pathology and Laboratory Medicine, Sinai Health System
Classification: Likely pathogenic for Leber congenital amaurosis 3. Last evaluated: 2023-01-04. Review status: criteria provided, single submitter. Criteria: ACMG Guidelines, 2015. Collection method: research. Allele origin: germline.

GeneDx
Classification: Pathogenic. Last evaluated: 2023-01-03. Review status: criteria provided, single submitter. Criteria: GeneDx Variant Classification Process June 2021. Collection method: clinical testing. Allele origin: germline. Affected: yes.
Comment: Frameshift variant predicted to result in protein truncation or nonsense mediated decay in a gene for which loss-of-function is a known mechanism of disease; This variant is associated with the following publications: (PMID: 30029497, 33090715, 28966547, 21602930, 31908400)

Revvity Omics, Revvity
Classification: Likely pathogenic for Leber congenital amaurosis 3. Last evaluated: 2022-11-11. Review status: criteria provided, single submitter. Criteria: ACMG Guidelines, 2015. Collection method: clinical testing. Allele origin: germline.

Mendelics
Classification: Benign. Last evaluated: 2019-05-28. Review status: criteria provided, single submitter. Criteria: Mendelics Assertion Criteria 2017. Collection method: clinical testing. Allele origin: unknown.

Department of Ophthalmology and Visual Sciences Kyoto University
Classification: Likely benign. Review status: no assertion criteria provided. Collection method: not provided. Allele origin: unknown. Not counted in ClinVar's aggregate classification.
ClinVar note: Converted during submission from probable-non-pathogenic to Likely benign.

Dr. Peter K. Rogan Lab, Western University
No classification provided (evidence only). Condition: Hepatocellular carcinoma. Review status: no classification provided. Collection method: in vitro. Allele origin: not applicable. Functional consequence: cryptic splice site. Not counted in ClinVar's aggregate classification.

Dr. Peter K. Rogan Lab, Western University
No classification provided (evidence only). Condition: Gastric cancer. Review status: no classification provided. Collection method: in vitro. Allele origin: not applicable. Functional consequence: cryptic splice site. Not counted in ClinVar's aggregate classification.

Dr. Peter K. Rogan Lab, Western University
No classification provided (evidence only). Condition: Gastric cancer. Review status: no classification provided. Collection method: in vitro. Allele origin: not applicable. Functional consequence: cryptic splice site, retained intron. Not counted in ClinVar's aggregate classification.

Literature cited by the submitters: PubMed 30029497 (cited by Variantyx, Inc. and Women's Health and Genetics/Laboratory Corporation of America, LabCorp); PubMed 33090715 (cited by Variantyx, Inc.); PubMed 31908400 (cited by Variantyx, Inc. and Women's Health and Genetics/Laboratory Corporation of America, LabCorp); PubMed 40296824 (cited by Women's Health and Genetics/Laboratory Corporation of America, LabCorp).